The following is an entry in ClinVar:

NM_000466.3(PEX1):c.3628C>T (p.Gln1210Ter)

Genes: GATAD1 (GATA zinc finger domain containing 1; plus strand), PEX1 (peroxisomal biogenesis factor 1; minus strand). Cytogenetic location: 7q21.2.
Variant type: single nucleotide variant.
Coding change: c.3628C>T on transcript NM_000466.3 (MANE Select); coding-DNA position 3628, C replaced by T.
Protein change: p.Gln1210Ter; replaces glutamine 1210 with a stop codon.
Molecular consequence: nonsense.
Genome position (GRCh38, 1-based): chr7:92,489,722, G>A on the plus strand (C>T on the coding strand, the complement: PEX1 is on the minus strand). VCF-style: chr7-92489722-G-A. GRCh37 (hg19) VCF-style: chr7-92119036-G-A.
Other names: c.3457C>T, p.Gln1153Ter (NM_001282677.2); c.3004C>T, p.Gln1002Ter (NM_001282678.2); short protein forms Q1002*, Q1153*, Q1210*.
Identifiers: ClinVar variation 4818407 (VCV004818407.1).
Genomic context (GRCh38, chr7:92,489,722, plus strand): 5'-AAACAATTTTTAAGAAGTTTTAACAATTATAATGAGGGGGAAAAAGCCATACTCCACTTT[G>A]GCTCCGGTATCTGCCTTTGATAATACTGATATCTGCCCTCAGTTGATCTCTTTGTTCTTG-3'

ClinVar aggregate classification (germline): Likely pathogenic (1 of 4 stars; one submission).

Conditions:
Zellweger spectrum disorders (ZS). Also called: Zellweger Spectrum Disorder (ZSD); Zellweger syndrome; Zellweger Spectrum Disorder; Zellweger Spectrum. Identifiers: Orphanet 912, MedGen C0043459, MONDO:0019609.

Submission:

Natera, Inc.
Classification: Likely pathogenic for Zellweger syndrome. Last evaluated: 2024-06-26. Review status: criteria provided, single submitter. Criteria: Natera Variant Classification Schema (03/2026). Collection method: clinical testing. Allele origin: germline.
Comment: The c.3628C>T variant in PEX1 is a nonsense variant predicted to introduce a stop codon at amino acid 1210. This variant is expected to result in nonsense mediated decay, truncation, or a dysfunctional protein product. This variant is rare in the general population with a frequency below the threshold expected for the associated phenotype(s). Given the available evidence, this variant is classified as Likely Pathogenic.